The following is an entry in ClinVar:

ClinVar aggregate classification (germline): Uncertain significance (1 of 4 stars; one submission).

Conditions:
Severe combined immunodeficiency, autosomal recessive, T cell-negative, B cell-negative, NK cell-positive. Also called: SCID, AR, T-cell negative, B-cell negative, NK cell-positive; SCID, T CELL-NEGATIVE, B CELL-NEGATIVE, NK CELL-POSITIVE; Severe combined immunodeficiency due to complete RAG1/2 deficiency. Identifiers: Orphanet 331206, MedGen C1832322, MONDO:0011086, OMIM 601457.
Combined immunodeficiency with skin granulomas. Identifiers: Orphanet 157949, MedGen C2673536, MONDO:0009306, OMIM 233650.

Allele frequency attached by ClinVar (database versions not stated): TOPMed below 0.00001; gnomAD 0.00001; gnomAD exomes 0.00001.
gnomAD v4.1: 5 of 1,614,118 alleles (0.00031%); highest among the groups gnomAD compares: Admixed American, 0.0067%; no homozygotes.

Submission:

Labcorp Genetics (formerly Invitae), Labcorp
Classification: Uncertain significance for Combined immunodeficiency with skin granulomas; Severe combined immunodeficiency, autosomal recessive, T cell-negative, B cell-negative, NK cell-positive. Last evaluated: 2023-08-24. Review status: criteria provided, single submitter. Criteria: Invitae Variant Classification Sherloc (09022015). Collection method: clinical testing. Allele origin: germline.
Comment: ClinVar contains an entry for this variant (Variation ID: 1989553). In summary, the available evidence is currently insufficient to determine the role of this variant in disease. Therefore, it has been classified as a Variant of Uncertain Significance. Advanced modeling of protein sequence and biophysical properties (such as structural, functional, and spatial information, amino acid conservation, physicochemical variation, residue mobility, and thermodynamic stability) has been performed at Invitae for this missense variant, however the output from this modeling did not meet the statistical confidence thresholds required to predict the impact of this variant on RAG1 protein function. This variant has not been reported in the literature in individuals affected with RAG1-related conditions. This variant is present in population databases (no rsID available, gnomAD 0.006%). This sequence change replaces aspartic acid, which is acidic and polar, with glutamic acid, which is acidic and polar, at codon 664 of the RAG1 protein (p.Asp664Glu).

NM_000448.3(RAG1):c.1992T>A (p.Asp664Glu)

Gene: RAG1 (recombination activating 1; plus strand). Cytogenetic location: 11p12.
Variant type: single nucleotide variant.
Coding change: c.1992T>A on transcript NM_000448.3 (MANE Select); coding-DNA position 1992, T replaced by A.
Protein change: p.Asp664Glu; replaces aspartic acid 664 with glutamic acid.
Molecular consequence: missense variant.
Genome position (GRCh38, 1-based): chr11:36,575,296, T>A. VCF-style: chr11-36575296-T-A. GRCh37 (hg19) VCF-style: chr11-36596846-T-A.
Other names: c.1992T>A, p.Asp664Glu (NM_001377277.1, NM_001377278.1, NM_001377279.1 and 1 more transcripts); short protein forms D664E.
Identifiers: ClinVar variation 1989553 (VCV001989553.3), dbSNP rs1049841091, ClinGen allele CA220601219.